The following is an entry in ClinVar:

ClinVar aggregate classification (germline): Likely benign (1 of 4 stars; one submission).

Allele frequency attached by ClinVar (database versions not stated): gnomAD 0.00002; TOPMed 0.00005.

Submission:

GeneDx
Classification: Likely benign. Last evaluated: 2017-03-08. Review status: criteria provided, single submitter. Criteria: GeneDx Variant Classification (06012015). Collection method: clinical testing. Allele origin: germline. Affected: yes.
Comment: This variant is considered likely benign or benign based on one or more of the following criteria: it is a conservative change, it occurs at a poorly conserved position in the protein, it is predicted to be benign by multiple in silico algorithms, and/or has population frequency not consistent with disease.

NM_001130438.3(SPTAN1):c.-13C>G

Genes: SPTAN1 (spectrin alpha, non-erythrocytic 1; plus strand), LOC130002712 (ATAC-STARR-seq lymphoblastoid silent region 20345; plus strand). Cytogenetic location: 9q34.11.
Variant type: single nucleotide variant.
Coding change: c.-13C>G on transcript NM_001130438.3 (MANE Select); 13 bases upstream of the start codon, C replaced by G.
Molecular consequence: 5 prime UTR variant.
Genome position (GRCh38, 1-based): chr9:128,552,687, C>G. VCF-style: chr9-128552687-C-G. GRCh37 (hg19) VCF-style: chr9-131314966-C-G.
Other names: c.-13C>G (NM_001195532.2, NM_001363759.2, NM_001363765.2 and 1 more transcripts).
Identifiers: ClinVar variation 507823 (VCV000507823.1), dbSNP rs981397470, ClinGen allele CA200411502.